The following is an entry in ClinVar:

ClinVar aggregate classification (germline): Uncertain significance. Review status: criteria provided, multiple submitters, no conflicts (2 of 4 stars). 2 submissions from 2 submitters: Uncertain significance (2). Last evaluated 2025-05-25.

Conditions:
SLC22A4-related disorder. Also called: SLC22A4-related condition.

Allele frequency attached by ClinVar (database versions not stated): ExAC 0.00013; gnomAD 0.00020; TOPMed 0.00020; gnomAD exomes 0.00043; ESP Exome Variant Server 0.00054.
gnomAD v4.1: 651 of 1,613,818 alleles (0.04%); highest among the groups gnomAD compares: Non-Finnish European, 0.053%; no homozygotes.

Submissions (2):

Labcorp Genetics (formerly Invitae), Labcorp
Classification: Uncertain significance. Last evaluated: 2025-05-25. Review status: criteria provided, single submitter. Criteria: Invitae Variant Classification Sherloc (09022015). Collection method: clinical testing. Allele origin: germline.
Comment: This sequence change replaces leucine, which is neutral and non-polar, with phenylalanine, which is neutral and non-polar, at codon 233 of the SLC22A4 protein (p.Leu233Phe). This variant is present in population databases (rs146705097, gnomAD 0.03%). This variant has not been reported in the literature in individuals affected with SLC22A4-related conditions. ClinVar contains an entry for this variant (Variation ID: 2065067). Invitae Evidence Modeling of protein sequence and biophysical properties (such as structural, functional, and spatial information, amino acid conservation, physicochemical variation, residue mobility, and thermodynamic stability) indicates that this missense variant is not expected to disrupt SLC22A4 protein function with a negative predictive value of 80%. In summary, the available evidence is currently insufficient to determine the role of this variant in disease. Therefore, it has been classified as a Variant of Uncertain Significance.

PreventionGenetics, part of Exact Sciences
Classification: Uncertain significance for SLC22A4-related condition. Last evaluated: 2023-08-08. Review status: criteria provided, single submitter. Criteria: ACMG Guidelines, 2015. Collection method: clinical testing. Allele origin: germline.
Comment: The SLC22A4 c.699A>T variant is predicted to result in the amino acid substitution p.Leu233Phe. To our knowledge, this variant has not been reported in the literature. This variant is reported in 0.032% of alleles in individuals of European (Non-Finnish) descent in gnomAD. At this time, the clinical significance of this variant is uncertain due to the absence of conclusive functional and genetic evidence.

NM_003059.3(SLC22A4):c.699A>T (p.Leu233Phe)

Genes: MIR3936HG (MIR3936 host gene; minus strand), SLC22A4 (solute carrier family 22 member 4; plus strand). Cytogenetic location: 5q31.1.
Variant type: single nucleotide variant.
Coding change: c.699A>T on transcript NM_003059.3 (MANE Select); coding-DNA position 699, A replaced by T.
Protein change: p.Leu233Phe; replaces leucine 233 with phenylalanine.
Molecular consequence: missense variant.
Genome position (GRCh38, 1-based): chr5:132,322,230, A>T. VCF-style: chr5-132322230-A-T. GRCh37 (hg19) VCF-style: chr5-131657923-A-T.
Other names: c.699A>T (NM_003059.2); short protein forms L233F.
Identifiers: ClinVar variation 2065067 (VCV002065067.5), dbSNP rs146705097, ClinGen allele CA3403490.